The following is an entry in ClinVar:

NM_000187.4(HGD):c.550-2A>C

Gene: HGD (homogentisate 1,2-dioxygenase; minus strand). Cytogenetic location: 3q13.33.
Variant type: single nucleotide variant.
Coding change: c.550-2A>C on transcript NM_000187.4 (MANE Select); the canonical splice acceptor site of the intron before coding-DNA position 550, A replaced by C.
Molecular consequence: splice acceptor variant.
Genome position (GRCh38, 1-based): chr3:120,646,368, T>G on the plus strand (A>C on the coding strand, the complement: HGD is on the minus strand). VCF-style: chr3-120646368-T-G. GRCh37 (hg19) VCF-style: chr3-120365215-T-G.
Identifiers: ClinVar variation 2584772 (VCV002584772.2), dbSNP rs2472698754, ClinGen allele CA354076859.

ClinVar aggregate classification (germline): Pathogenic (0 of 4 stars; one submission).

Conditions:
Alkaptonuria (AKU). Also called: Alkaptonuric ochronosis; Homogentisic acidura; HOMOGENTISIC ACID OXIDASE DEFICIENCY; Alcaptonuria. Identifiers: Orphanet 56, MedGen C0002066, MONDO:0008753, OMIM 203500.

Submission:

Department Of Human Genetics, Institute Of Clinical And Translational Research, Biomedical Research Center, Slovak Academy Of Sciences
Classification: Pathogenic for Alkaptonuria. Review status: no assertion criteria provided. Collection method: research. Allele origin: germline. Inheritance: Autosomal recessive inheritance. Affected: yes. Observed: 2 variant alleles.
Comment: The variant was originally described in PMID:12501223. It has been submitted to the HGD gene mutation database (DB-ID: AKU_00060).

Literature cited by the submitters: PubMed 12501223.